The following is an entry in ClinVar:

NM_001042492.3(NF1):c.5813-279A>G

Gene: NF1 (neurofibromin 1; plus strand). Cytogenetic location: 17q11.2.
Variant type: single nucleotide variant.
Coding change: c.5813-279A>G on transcript NM_001042492.3 (MANE Select); 279 bases into the intron before coding-DNA position 5813, A replaced by G.
Molecular consequence: intron variant.
Genome position (GRCh38, 1-based): chr17:31,334,559, A>G. VCF-style: chr17-31334559-A-G. GRCh37 (hg19) VCF-style: chr17-29661577-A-G.
Other names: c.5750-279A>G (NM_000267.4, NM_000267.3).
Identifiers: ClinVar variation 3780023 (VCV003780023.4).

ClinVar aggregate classification (germline): Conflicting classifications of pathogenicity. Review status: criteria provided, conflicting classifications (1 of 4 stars). 4 submissions from 4 submitters: Pathogenic (1); Likely pathogenic (2); Uncertain significance (1). Last evaluated 2025-07-23.

Conditions:
Neurofibromatosis, type 1 (NF1). Also called: Peripheral type neurofibromatosis; VON RECKLINGHAUSEN DISEASE; NEUROFIBROMATOSIS, TYPE I, SOMATIC; Neurofibromatosis, type I. Identifiers: Orphanet 636, MedGen C0027831, MONDO:0018975, OMIM 162200. Disease mechanism: loss of function.
Hereditary cancer-predisposing syndrome. Also called: Hereditary Cancer Syndrome; Hereditary neoplastic syndrome; Tumor predisposition; Neoplastic Syndromes, Hereditary. Identifiers: Orphanet 140162, MedGen C0027672, MeSH D009386, MONDO:0015356.
Cardiovascular phenotype. Identifiers: MedGen CN230736.

Submissions (4):

Ambry Genetics
Classification: Likely pathogenic for Cardiovascular phenotype; Hereditary cancer-predisposing syndrome. Last evaluated: 2025-07-23. Review status: criteria provided, single submitter. Criteria: Ambry Variant Classification Scheme 2023. Collection method: clinical testing. Allele origin: germline.
Comment: The c.5750-279A>G intronic variant results from an A to G substitution 279 nucleotides upstream from coding exon 39 in the NF1 gene. This variant was reported in individual(s) with features consistent with neurofibromatosis type 1 (Osborn MJ et al. Hum Genet, 1999 Oct;105:327-32; Raponi M et al. Hum Mutat, 2006 Mar;27:294-5; Koczkowska M et al. Hum Genet, 2023 Jul;142:849-861). This nucleotide position is conserved on limited sequence alignment. In silico splice site analysis predicts that this alteration may result in the creation or strengthening of a novel splice acceptor site. RNA studies have demonstrated that this alteration results in abnormal splicing (Osborn MJ et al. Hum Genet, 1999 Oct;105:327-32; Raponi M et al. Hum Mutat, 2006 Mar;27:294-5; Koczkowska M et al. Hum Genet, 2023 Jul;142:849-861; Ambry internal data). This variant is considered to be rare based on population cohorts in the Genome Aggregation Database (gnomAD). Based on the majority of available evidence to date, this variant is likely to be pathogenic.

Labcorp Genetics (formerly Invitae), Labcorp
Classification: Pathogenic for Neurofibromatosis, type 1. Last evaluated: 2025-02-04. Review status: criteria provided, single submitter. Criteria: Invitae Variant Classification Sherloc (09022015). Collection method: clinical testing. Allele origin: germline.
Comment: This sequence change falls in intron 38 of the NF1 gene. It does not directly change the encoded amino acid sequence of the NF1 protein. RNA analysis indicates that this variant induces altered splicing and likely results in the gain of 57 amino acid residue(s), but is expected to preserve the integrity of the reading-frame. This variant is not present in population databases (gnomAD no frequency). This variant has been observed in individual(s) with neurofibromatosis, type 1 (PMID: 16470740, 37186028). In at least one individual the variant was observed to be de novo. Studies have shown that this variant results in the activation of a cryptic splice site in intron 38 (PMID: 10543400, 16470740). For these reasons, this variant has been classified as Pathogenic.

3billion
Classification: Uncertain significance for Neurofibromatosis, type 1. Last evaluated: 2024-06-15. Review status: criteria provided, single submitter. Criteria: ACMG Guidelines, 2015. Collection method: clinical testing. Allele origin: germline. Affected: yes.
Comment: The variant is not observed in the gnomAD v4.0.0 dataset. Predicted Consequence/Location: Intron variant: previously reported to result in an inframe deletion (PMID: 37186028). In silico tools predict the variant to alter splicing and produce an abnormal transcript [SpliceAI: 0.38 (spliceogenicity >=0.2, non-spliceogenicity <0.1)]. Intron variant: previously reported to result in an inframe deletion (PMID: 37186028). Therefore, this variant is classified as VUS according to the recommendation of ACMG/AMP guideline.

Department of Pathology and Laboratory Medicine, Sinai Health System
Classification: Likely pathogenic for neurofibromatosis type 1. Review status: criteria provided, single submitter. Criteria: ACMG Guidelines, 2015. Collection method: clinical testing. Allele origin: germline.

Literature cited by the submitters: PubMed 10543400 (cited by 3 submitters); PubMed 16470740 (cited by Ambry Genetics and Labcorp Genetics (formerly Invitae), Labcorp); PubMed 37186028 (cited by 3 submitters).